The following is an entry in ClinVar:

ClinVar aggregate classification (germline): Uncertain significance (1 of 4 stars; one submission).

Conditions:
Spastic ataxia 2. Also called: Ataxia, spastic, 2, autosomal recessive. Identifiers: Orphanet 397946, MedGen C1969796, MONDO:0012651, OMIM 611302.

Allele frequency attached by ClinVar (database versions not stated): gnomAD 0.00001; gnomAD exomes 0.00001 and 0.00002; TOPMed 0.00004.
gnomAD v4.1: 26 of 1,587,550 alleles (0.0016%); highest among the groups gnomAD compares: Non-Finnish European, 0.0021%; no homozygotes.

Submission:

Labcorp Genetics (formerly Invitae), Labcorp
Classification: Uncertain significance for Spastic ataxia 2. Last evaluated: 2020-11-17. Review status: criteria provided, single submitter. Criteria: Invitae Variant Classification Sherloc (09022015). Collection method: clinical testing. Allele origin: germline.
Comment: In summary, the available evidence is currently insufficient to determine the role of this variant in disease. Therefore, it has been classified as a Variant of Uncertain Significance. Algorithms developed to predict the effect of missense changes on protein structure and function (SIFT, PolyPhen-2, Align-GVGD) all suggest that this variant is likely to be tolerated, but these predictions have not been confirmed by published functional studies and their clinical significance is uncertain. This variant has not been reported in the literature in individuals with KIF1C-related conditions. The frequency data for this variant in the population databases is considered unreliable, as metrics indicate poor data quality at this position in the ExAC database. This sequence change replaces alanine with threonine at codon 815 of the KIF1C protein (p.Ala815Thr). The alanine residue is weakly conserved and there is a small physicochemical difference between alanine and threonine.

NM_006612.6(KIF1C):c.2443G>A (p.Ala815Thr)

Gene: KIF1C (kinesin family member 1C; plus strand). Cytogenetic location: 17p13.2.
Variant type: single nucleotide variant.
Coding change: c.2443G>A on transcript NM_006612.6 (MANE Select); coding-DNA position 2443, G replaced by A.
Protein change: p.Ala815Thr; replaces alanine 815 with threonine.
Molecular consequence: missense variant.
Genome position (GRCh38, 1-based): chr17:5,022,524, G>A. VCF-style: chr17-5022524-G-A. GRCh37 (hg19) VCF-style: chr17-4925819-G-A.
Other names: short protein forms A815T.
Identifiers: ClinVar variation 1478289 (VCV001478289.8), dbSNP rs776041349, ClinGen allele CA8319295.